The following is an entry in ClinVar:

ClinVar aggregate classification (germline): Uncertain significance (1 of 4 stars; one submission).

Conditions:
Pitt-Hopkins-like syndrome 2 (PTHSL2). Identifiers: Orphanet 221150, Orphanet 600663, MedGen C3280479, MONDO:0013690, OMIM 614325.

Allele frequency attached by ClinVar (database versions not stated): gnomAD exomes below 0.00001.
gnomAD v4.1: 3 of 1,599,508 alleles (0.00019%); highest among the groups gnomAD compares: South Asian, 0.0011%; no homozygotes.

Submission:

Labcorp Genetics (formerly Invitae), Labcorp
Classification: Uncertain significance for Pitt-Hopkins-like syndrome 2. Last evaluated: 2021-01-08. Review status: criteria provided, single submitter. Criteria: Invitae Variant Classification Sherloc (09022015). Collection method: clinical testing. Allele origin: germline.
Comment: This variant has not been reported in the literature in individuals with NRXN1-related conditions. In summary, the available evidence is currently insufficient to determine the role of this variant in disease. Therefore, it has been classified as a Variant of Uncertain Significance. Algorithms developed to predict the effect of missense changes on protein structure and function are either unavailable or do not agree on the potential impact of this missense change (SIFT: "Deleterious"; PolyPhen-2: "Benign"; Align-GVGD: "Class C0"). This variant is not present in population databases (ExAC no frequency). This sequence change replaces arginine with histidine at codon 85 of the NRXN1 protein (p.Arg85His). The arginine residue is highly conserved and there is a small physicochemical difference between arginine and histidine.

NM_001330078.2(NRXN1):c.254G>A (p.Arg85His)

Gene: NRXN1 (neurexin 1; minus strand). Cytogenetic location: 2p16.3.
Variant type: single nucleotide variant.
Coding change: c.254G>A on transcript NM_001330078.2 (MANE Select); coding-DNA position 254, G replaced by A.
Protein change: p.Arg85His; replaces arginine 85 with histidine.
Molecular consequence: missense variant.
Genome position (GRCh38, 1-based): chr2:51,028,020, C>T on the plus strand (G>A on the coding strand, the complement: NRXN1 is on the minus strand). VCF-style: chr2-51028020-C-T. GRCh37 (hg19) VCF-style: chr2-51255158-C-T.
Other names: c.254G>A, p.Arg85His (NM_001135659.3, NM_001330077.2, NM_001330079.2 and 15 more transcripts); short protein forms R85H.
Identifiers: ClinVar variation 1420020 (VCV001420020.8), dbSNP rs200849814, ClinGen allele CA48054927.